The following is an entry in ClinVar:

ClinVar aggregate classification (germline): Uncertain significance (1 of 4 stars; one submission).

Allele frequency attached by ClinVar (database versions not stated): TOPMed below 0.00001; gnomAD exomes 0.00001.
gnomAD v4.1: 4 of 1,613,584 alleles (0.00025%); highest among the groups gnomAD compares: African/African-American, 0.0027%; no homozygotes.

Submission:

Labcorp Genetics (formerly Invitae), Labcorp
Classification: Uncertain significance. Last evaluated: 2022-01-28. Review status: criteria provided, single submitter. Criteria: Invitae Variant Classification Sherloc (09022015). Collection method: clinical testing. Allele origin: germline.
Comment: This variant is not present in population databases (gnomAD no frequency). This sequence change replaces glutamine, which is neutral and polar, with glutamic acid, which is acidic and polar, at codon 1300 of the MYO5B protein (p.Gln1300Glu). In summary, the available evidence is currently insufficient to determine the role of this variant in disease. Therefore, it has been classified as a Variant of Uncertain Significance. Algorithms developed to predict the effect of missense changes on protein structure and function (SIFT, PolyPhen-2, Align-GVGD) all suggest that this variant is likely to be tolerated. This variant has not been reported in the literature in individuals affected with MYO5B-related conditions.

NM_001080467.3(MYO5B):c.3898C>G (p.Gln1300Glu)

Gene: MYO5B (myosin VB; minus strand). Cytogenetic location: 18q21.1.
Variant type: single nucleotide variant.
Coding change: c.3898C>G on transcript NM_001080467.3 (MANE Select); coding-DNA position 3898, C replaced by G.
Protein change: p.Gln1300Glu; replaces glutamine 1300 with glutamic acid.
Molecular consequence: missense variant.
Genome position (GRCh38, 1-based): chr18:49,863,273, G>C on the plus strand (C>G on the coding strand, the complement: MYO5B is on the minus strand). VCF-style: chr18-49863273-G-C. GRCh37 (hg19) VCF-style: chr18-47389643-G-C.
Other names: short protein forms Q1300E.
Identifiers: ClinVar variation 1503286 (VCV001503286.6), dbSNP rs2024353698, ClinGen allele CA402427250.